The following is an entry in ClinVar:

ClinVar aggregate classification (germline): Conflicting classifications of pathogenicity. Review status: criteria provided, conflicting classifications (1 of 4 stars). 4 submissions from 4 submitters: Uncertain significance (3); Likely benign (1). Last evaluated 2024-12-12.

Conditions:
Developmental and epileptic encephalopathy, 39 (DEE39). Also called: DEVELOPMENTAL AND EPILEPTIC ENCEPHALOPATHY 39 WITH LEUKODYSTROPHY. Identifiers: Orphanet 353217, MedGen C2751855, MONDO:0013056, OMIM 612949.
SLC25A12-related disorder. Also called: SLC25A12-related condition.

Allele frequency attached by ClinVar (database versions not stated): gnomAD exomes 0.00001 and 0.00002; ExAC 0.00003; gnomAD 0.00012 and 0.00014; TOPMed 0.00020; ESP Exome Variant Server 0.00032.

Submissions (4):

PreventionGenetics, part of Exact Sciences
Classification: Likely benign for SLC25A12-related condition. Last evaluated: 2024-12-12. Review status: criteria provided, single submitter. Criteria: ACMG Guidelines, 2015. Collection method: clinical testing. Allele origin: germline.
Comment: This variant is classified as likely benign based on ACMG/AMP sequence variant interpretation guidelines (Richards et al. 2015 PMID: 25741868, with internal and published modifications).

Labcorp Genetics (formerly Invitae), Labcorp
Classification: Uncertain significance. Last evaluated: 2024-01-19. Review status: criteria provided, single submitter. Criteria: Invitae Variant Classification Sherloc (09022015). Collection method: clinical testing. Allele origin: germline.
Comment: This sequence change falls in intron 9 of the SLC25A12 gene. It does not directly change the encoded amino acid sequence of the SLC25A12 protein. It affects a nucleotide within the consensus splice site. This variant is present in population databases (rs746487507, gnomAD 0.03%). This variant has not been reported in the literature in individuals affected with SLC25A12-related conditions. ClinVar contains an entry for this variant (Variation ID: 644015). Variants that disrupt the consensus splice site are a relatively common cause of aberrant splicing (PMID: 17576681, 9536098). Algorithms developed to predict the effect of sequence changes on RNA splicing suggest that this variant is not likely to affect RNA splicing. In summary, the available evidence is currently insufficient to determine the role of this variant in disease. Therefore, it has been classified as a Variant of Uncertain Significance.

GeneDx
Classification: Uncertain significance. Last evaluated: 2023-11-20. Review status: criteria provided, single submitter. Criteria: GeneDx Variant Classification Process June 2021. Collection method: clinical testing. Allele origin: germline. Affected: yes.
Comment: In silico analysis supports that this variant does not alter splicing; Has not been previously published as pathogenic or benign to our knowledge

New York Genome Center
Classification: Uncertain significance for Developmental and epileptic encephalopathy, 39. Last evaluated: 2020-05-14. Review status: criteria provided, single submitter. Criteria: NYGC Assertion Criteria 2020. Collection method: clinical testing. Allele origin: germline. Inheritance: Autosomal recessive inheritance. Observed: 1 heterozygote. Study: CSER-NYCKidSeq.

Literature cited by the submitters: PubMed 17576681 (cited by Labcorp Genetics (formerly Invitae), Labcorp); PubMed 9536098 (cited by Labcorp Genetics (formerly Invitae), Labcorp).

NM_003705.5(SLC25A12):c.930+3dup

Gene: SLC25A12 (solute carrier family 25 member 12; minus strand). Cytogenetic location: 2q31.1.
Variant type: Duplication.
Coding change: c.930+3dup on transcript NM_003705.5 (MANE Select); 3 bases into the intron after coding-DNA position 930, one base duplicated (A; older notation c.930+3dupA).
Molecular consequence: intron variant.
Genome position (GRCh38, 1-based): chr2:171,826,795, T duplicated on the plus strand (A on the coding strand, the reverse complement: SLC25A12 is on the minus strand). VCF-style (leftmost placement, unchanged base first): chr2-171826794-A-AT. GRCh37 (hg19) VCF-style: chr2-172683304-A-AT.
Other names: c.930+3dupA (NM_003705.4).
Identifiers: ClinVar variation 644015 (VCV000644015.8), dbSNP rs746487507, ClinGen allele CA1966271.